The following is an entry in ClinVar:

ClinVar aggregate classification (germline): Uncertain significance. Review status: criteria provided, multiple submitters, no conflicts (2 of 4 stars). 2 submissions from 2 submitters: Uncertain significance (2). Last evaluated 2025-07-31.

Conditions:
Hereditary cancer-predisposing syndrome. Also called: Neoplastic Syndromes, Hereditary; Tumor predisposition; Hereditary Cancer Syndrome; Hereditary neoplastic syndrome. Identifiers: Orphanet 140162, MedGen C0027672, MeSH D009386, MONDO:0015356.
EGFR-related lung cancer (EGFR). Identifiers: MedGen CN130014.

gnomAD v4.1: 1 of 1,614,182 alleles (0.000062%); highest among the groups gnomAD compares: Non-Finnish European, 0.000085%; no homozygotes.

Submissions (2):

Ambry Genetics
Classification: Uncertain significance for Hereditary cancer-predisposing syndrome. Last evaluated: 2025-07-31. Review status: criteria provided, single submitter. Criteria: Ambry Variant Classification Scheme 2023. Collection method: clinical testing. Allele origin: germline.
Comment: The p.Y69C variant (also known as c.206A>G), located in coding exon 2 of the EGFR gene, results from an A to G substitution at nucleotide position 206. The tyrosine at codon 69 is replaced by cysteine, an amino acid with highly dissimilar properties. This amino acid position is conserved. In addition, this alteration is predicted to be deleterious by in silico analysis. Based on the available evidence, the clinical significance of this variant remains unclear.

Labcorp Genetics (formerly Invitae), Labcorp
Classification: Uncertain significance for EGFR-related lung cancer. Last evaluated: 2024-04-18. Review status: criteria provided, single submitter. Criteria: Invitae Variant Classification Sherloc (09022015). Collection method: clinical testing. Allele origin: germline.
Comment: This sequence change replaces tyrosine, which is neutral and polar, with cysteine, which is neutral and slightly polar, at codon 69 of the EGFR protein (p.Tyr69Cys). This variant is not present in population databases (gnomAD no frequency). This variant has not been reported in the literature in individuals affected with EGFR-related conditions. Advanced modeling of protein sequence and biophysical properties (such as structural, functional, and spatial information, amino acid conservation, physicochemical variation, residue mobility, and thermodynamic stability) performed at Invitae indicates that this missense variant is not expected to disrupt EGFR protein function with a negative predictive value of 80%. In summary, the available evidence is currently insufficient to determine the role of this variant in disease. Therefore, it has been classified as a Variant of Uncertain Significance.

NM_005228.5(EGFR):c.206A>G (p.Tyr69Cys)

Gene: EGFR (epidermal growth factor receptor; plus strand). Cytogenetic location: 7p11.2.
Variant type: single nucleotide variant.
Coding change: c.206A>G on transcript NM_005228.5 (MANE Select); coding-DNA position 206, A replaced by G.
Protein change: p.Tyr69Cys; replaces tyrosine 69 with cysteine.
Molecular consequence: missense variant. On other transcripts: intron variant (1).
Genome position (GRCh38, 1-based): chr7:55,142,403, A>G. VCF-style: chr7-55142403-A-G. GRCh37 (hg19) VCF-style: chr7-55210096-A-G.
Other names: c.206A>G, p.Tyr69Cys (NM_001346897.2, NM_001346898.2, NM_001346899.2 and 3 more transcripts); c.47A>G, p.Tyr16Cys (NM_001346900.2); c.89-13427A>G (NM_001346941.2); short protein forms Y69C, Y16C.
Identifiers: ClinVar variation 3630396 (VCV003630396.3).